The following is an entry in ClinVar:

ClinVar aggregate classification (germline): Uncertain significance (1 of 4 stars; one submission).

Conditions:
Hereditary cancer-predisposing syndrome. Also called: Neoplastic Syndromes, Hereditary; Tumor predisposition; Hereditary Cancer Syndrome; Hereditary neoplastic syndrome. Identifiers: Orphanet 140162, MedGen C0027672, MeSH D009386, MONDO:0015356.

Submission:

Ambry Genetics
Classification: Uncertain significance for Hereditary cancer-predisposing syndrome. Last evaluated: 2026-04-23. Review status: criteria provided, single submitter. Criteria: Ambry Variant Classification Scheme 2023. Collection method: clinical testing. Allele origin: germline.
Comment: The p.M1139T variant (also known as c.3416T>C), located in coding exon 20 of the PTCH1 gene, results from a T to C substitution at nucleotide position 3416. The methionine at codon 1139 is replaced by threonine, an amino acid with similar properties. This amino acid position is conserved. In addition, this alteration is predicted to be deleterious by in silico analysis. Based on the available evidence, the clinical significance of this variant remains unclear.

NM_000264.5(PTCH1):c.3416T>C (p.Met1139Thr)

Gene: PTCH1 (patched 1; minus strand). Cytogenetic location: 9q22.32.
Variant type: single nucleotide variant.
Coding change: c.3416T>C on transcript NM_000264.5 (MANE Select); coding-DNA position 3416, T replaced by C.
Protein change: p.Met1139Thr; replaces methionine 1139 with threonine.
Molecular consequence: missense variant. On other transcripts: non-coding transcript variant (1).
Genome position (GRCh38, 1-based): chr9:95,453,511, A>G on the plus strand (T>C on the coding strand, the complement: PTCH1 is on the minus strand). VCF-style: chr9-95453511-A-G. GRCh37 (hg19) VCF-style: chr9-98215793-A-G.
Other names: c.3218T>C, p.Met1073Thr (NM_001083602.3); c.3413T>C, p.Met1138Thr (NM_001083603.3); c.2963T>C, p.Met988Thr (NM_001083604.3, NM_001083605.3, NM_001083606.3 and 1 more transcripts); c.3260T>C, p.Met1087Thr (NM_001354918.2); short protein forms M1073T, M988T, M1087T, M1138T, M1139T.
Identifiers: ClinVar variation 3939963 (VCV003939963.2).
Genomic context (GRCh38, chr9:95,453,511, plus strand): 5'-CATGTCTCCTTGCACACGCCTGCTTACCTGACAATGAAGTCGAACTCAGATCCCGCCAGC[A>G]TCAGCACTCCCAGCAGAGTGGACACGGCGCCATCCAGGACGGGTGCAAACATGTGCTCCA-3'
Protein context (NP_000255.2, residues 1129-1149): GAVSTLLGVL[Met1139Thr]LAGSEFDFIV